The following is an entry in ClinVar:

ClinVar aggregate classification (germline): Uncertain significance (1 of 4 stars; one submission).

Conditions:
Inborn genetic diseases. Identifiers: MedGen C0950123, MeSH D030342.

Allele frequency attached by ClinVar (database versions not stated): ExAC 0.00001.

Submission:

Ambry Genetics
Classification: Uncertain significance for Inborn genetic diseases. Last evaluated: 2021-07-25. Review status: criteria provided, single submitter. Criteria: Ambry Variant Classification Scheme 2023. Collection method: clinical testing. Allele origin: germline.
Comment: The p.C748S variant (also known as c.2243G>C), located in coding exon 14 of the EPAS1 gene, results from a G to C substitution at nucleotide position 2243. The cysteine at codon 748 is replaced by serine, an amino acid with dissimilar properties. This amino acid position is conserved. In addition, the in silico prediction for this alteration is inconclusive. Since supporting evidence is limited at this time, the clinical significance of this alteration remains unclear.

NM_001430.5(EPAS1):c.2243G>C (p.Cys748Ser)

Gene: EPAS1 (endothelial PAS domain protein 1; plus strand). Cytogenetic location: 2p21.
Variant type: single nucleotide variant.
Coding change: c.2243G>C on transcript NM_001430.5 (MANE Select); coding-DNA position 2243, G replaced by C.
Protein change: p.Cys748Ser; replaces cysteine 748 with serine.
Molecular consequence: missense variant.
Genome position (GRCh38, 1-based): chr2:46,382,045, G>C. VCF-style: chr2-46382045-G-C. GRCh37 (hg19) VCF-style: chr2-46609184-G-C.
Other names: short protein forms C748S.
Identifiers: ClinVar variation 1788310 (VCV001788310.2), dbSNP rs772883249, ClinGen allele CA1645265.